The following is an entry in ClinVar:

NM_003719.5(PDE8B):c.*30G>A

Gene: PDE8B (phosphodiesterase 8B; plus strand). Cytogenetic location: 5q13.3.
Variant type: single nucleotide variant.
Coding change: c.*30G>A on transcript NM_003719.5 (MANE Select); 30 bases downstream of the stop codon, G replaced by A.
Molecular consequence: 3 prime UTR variant.
Genome position (GRCh38, 1-based): chr5:77,426,584, G>A. VCF-style: chr5-77426584-G-A. GRCh37 (hg19) VCF-style: chr5-76722409-G-A.
Other names: c.*30G>A (NM_001029851.4, NM_001029852.4, NM_001029853.4 and 19 more transcripts); c.*116G>A (NM_001349751.3, NM_001376072.1).
Identifiers: ClinVar variation 903999 (VCV000903999.4), dbSNP rs201812762, ClinGen allele CA3315572.
Genomic context (GRCh38, chr5:77,426,584, plus strand): 5'-CAAAAGTTTGAGGCTTCCATCTGACAGCTAAAGCCAAGCCACAGAGGGGGCCTCTTGACC[G>A]ACAAAGGACACTGTGAATCACAGTAGCGTAAACGAGAGGCCTTCCTTTCTAATGACAATG-3'

ClinVar aggregate classification (germline): Likely benign (1 of 4 stars; one submission).

Conditions:
Autosomal dominant striatal neurodegeneration type 1. Identifiers: Orphanet 228169, MedGen C4310808, MONDO:0012205, OMIM 609161.

Allele frequency attached by ClinVar (database versions not stated): ESP Exome Variant Server 0.00008; gnomAD exomes 0.00008; ExAC 0.00010; TOPMed 0.00014; gnomAD 0.00015; 1000 Genomes Project 0.00020; 1000 Genomes Project 30x 0.00031.
gnomAD v4.1: 256 of 1,125,434 alleles (0.023%); highest among the groups gnomAD compares: East Asian, 0.056%; no homozygotes.

Submission:

Illumina Laboratory Services, Illumina
Classification: Likely benign for Autosomal dominant striatal neurodegeneration type 1. Last evaluated: 2018-01-12. Review status: criteria provided, single submitter. Criteria: ICSL Variant Classification Criteria 13 December 2019. Collection method: clinical testing. Allele origin: germline.
Comment: This variant was observed in the ICSL laboratory as part of a predisposition screen in an ostensibly healthy population. It had not been previously curated by ICSL or reported in the Human Gene Mutation Database (HGMD: prior to June 1st, 2018), and was therefore a candidate for classification through an automated scoring system. Utilizing variant allele frequency, disease prevalence and penetrance estimates, and inheritance mode, an automated score was calculated to assess if this variant is too frequent to cause the disease. Based on the score and internal cut-off values, a variant classified as likely benign is not then subjected to further curation. The score for this variant resulted in a classification of likely benign for this disease.